The following is an entry in ClinVar:

NM_001283009.2(RTEL1):c.1042A>G (p.Ile348Val)

Genes: RTEL1 (regulator of telomere elongation helicase 1; plus strand), RTEL1-TNFRSF6B (RTEL1-TNFRSF6B readthrough (NMD candidate); plus strand). Cytogenetic location: 20q13.33.
Variant type: single nucleotide variant.
Coding change: c.1042A>G on transcript NM_001283009.2 (MANE Select); coding-DNA position 1042, A replaced by G.
Protein change: p.Ile348Val; replaces isoleucine 348 with valine.
Molecular consequence: missense variant. On other transcripts: non-coding transcript variant (1).
Genome position (GRCh38, 1-based): chr20:63,679,853, A>G. VCF-style: chr20-63679853-A-G. GRCh37 (hg19) VCF-style: chr20-62311206-A-G.
Other names: c.373A>G, p.Ile125Val (NM_001283010.1); c.1042A>G, p.Ile348Val (NM_016434.4); c.1114A>G, p.Ile372Val (NM_032957.5); short protein forms I125V, I348V, I372V.
Identifiers: ClinVar variation 4629613 (VCV004629613.1).

ClinVar aggregate classification (germline): Uncertain significance (1 of 4 stars; one submission).

Conditions:
Inborn genetic diseases. Identifiers: MedGen C0950123, MeSH D030342.

gnomAD v4.1: 2 of 1,610,216 alleles (0.00012%); highest among the groups gnomAD compares: East Asian, 0.0022%; no homozygotes.

Submission:

Ambry Genetics
Classification: Uncertain significance for Inborn genetic diseases. Last evaluated: 2025-11-17. Review status: criteria provided, single submitter. Criteria: Ambry Variant Classification Scheme 2023. Collection method: clinical testing. Allele origin: germline.
Comment: The p.I348V variant (also known as c.1042A>G), located in coding exon 12 of the RTEL1 gene, results from an A to G substitution at nucleotide position 1042. The isoleucine at codon 348 is replaced by valine, an amino acid with highly similar properties. This amino acid position is conserved. In addition, the in silico prediction for this alteration is inconclusive. Based on the available evidence, the clinical significance of this variant remains unclear.